The following is an entry in ClinVar:

ClinVar aggregate classification (germline): Uncertain significance (1 of 4 stars; one submission).

Conditions:
Hereditary breast ovarian cancer syndrome. Also called: BRCA1- and BRCA2-Associated Hereditary Breast and Ovarian Cancer; Breast and ovarian cancer; Hereditary breast and/or ovarian cancer syndrome; Hereditary breast and ovarian cancer; Hereditary breast and ovarian cancer syndrome (HBOC); Hereditary breast and ovarian cancer syndrome. Identifiers: Orphanet 145, MedGen C0677776, MeSH D061325, MONDO:0003582. Disease mechanism: loss of function.

Submission:

Labcorp Genetics (formerly Invitae), Labcorp
Classification: Uncertain significance for Hereditary breast ovarian cancer syndrome. Last evaluated: 2023-07-25. Review status: criteria provided, single submitter. Criteria: Invitae Variant Classification Sherloc (09022015). Collection method: clinical testing. Allele origin: germline.
Comment: This sequence change replaces tyrosine, which is neutral and polar, with histidine, which is basic and polar, at codon 1625 of the BRCA1 protein (p.Tyr1625His). This variant is not present in population databases (gnomAD no frequency). In summary, the available evidence is currently insufficient to determine the role of this variant in disease. Therefore, it has been classified as a Variant of Uncertain Significance. Advanced modeling of protein sequence and biophysical properties (such as structural, functional, and spatial information, amino acid conservation, physicochemical variation, residue mobility, and thermodynamic stability) performed at Invitae indicates that this missense variant is not expected to disrupt BRCA1 protein function. This variant has not been reported in the literature in individuals affected with BRCA1-related conditions.

NM_007294.4(BRCA1):c.4873T>C (p.Tyr1625His)

Gene: BRCA1 (BRCA1 DNA repair associated; minus strand). Cytogenetic location: 17q21.31.
Variant type: single nucleotide variant.
Coding change: c.4873T>C on transcript NM_007294.4 (MANE Select); coding-DNA position 4873, T replaced by C.
Protein change: p.Tyr1625His; replaces tyrosine 1625 with histidine.
Molecular consequence: missense variant. On other transcripts: intron variant (1).
Genome position (GRCh38, 1-based): chr17:43,071,041, A>G on the plus strand (T>C on the coding strand, the complement: BRCA1 is on the minus strand). VCF-style: chr17-43071041-A-G. GRCh37 (hg19) VCF-style: chr17-41223058-A-G.
Other names: c.1423T>C, p.Tyr475His (NM_001408457.1, NM_001408452.1, NM_001408453.1 and 3 more transcripts); c.1420T>C, p.Tyr474His (NM_001408458.1, NM_001408459.1, NM_001408463.1 and 7 more transcripts); c.4726T>C, p.Tyr1576His (NM_001407843.1, NM_001407844.1, NM_001407845.1 and 12 more transcripts); c.4873T>C, p.Tyr1625His (NM_001407854.1, NM_001407593.1, NM_001407594.1 and 8 more transcripts); c.4870T>C, p.Tyr1624His (NM_001407858.1, NM_001407859.1, NM_001407860.1 and 17 more transcripts); c.4867T>C, p.Tyr1623His (NM_001407861.1, NM_001407627.1, NM_001407628.1 and 14 more transcripts); c.4672T>C, p.Tyr1558His (NM_001407862.1); c.4747T>C, p.Tyr1583His (NM_001407863.1, NM_001407939.1, NM_001407940.1 and 11 more transcripts); and 71 more; short protein forms Y1471H, Y1497H, Y1512H, Y1535H, Y1537H, Y1556H, Y1577H, Y1597H.
Identifiers: ClinVar variation 2746610 (VCV002746610.3), dbSNP rs2052392087, ClinGen allele CA10591782.